The following is an entry in ClinVar:

NM_000059.4(BRCA2):c.7977-3_7977-2insTTTTTTTTTTTTTTTTTTTTNNNNNNNNNNCTGACCTCGTGATCCGCCCGTCTCGGCCTCCCAAAGTGCTGGGATTACAGGCGTGAGCCACCGCGCCCGGCCGTTTTCACTTTT

Gene: BRCA2 (BRCA2 DNA repair associated; plus strand). Cytogenetic location: 13q13.1.
Variant type: Insertion.
Coding change: c.7977-3_7977-2insTTTTTTTTTTTTTTTTTTTTNNNNNNNNNNCTGACCTCGTGATCCGCCCGTCTCGGCCTCCCAAAGTGCTGGGATTACAGGCGTGAGCCACCGCGCCCGGCCGTTTTCACTTTT on transcript NM_000059.4 (MANE Select); 3 bases into the intron before coding-DNA position 7977 through the canonical splice acceptor site of the intron before coding-DNA position 7977, TTTTTTTTTTTTTTTTTTTTNNNNNNNNNNCTGACCTCGTGATCCGCCCGTCTCGGCCTCCCAAAGTGCTGGGATTACAGGCGTGAGCCACCGCGCCCGGCCGTTTTCACTTTT inserted.
Molecular consequence: intron variant.
Genome position: GRCh38: chr13:32,363,176-32,363,177. GRCh37 (hg19): chr13:32,937,313-32,937,314.
Identifiers: ClinVar variation 2017756 (VCV002017756.4), dbSNP rs2548546057.

ClinVar aggregate classification (germline): Uncertain significance (1 of 4 stars; one submission).

Conditions:
Hereditary breast ovarian cancer syndrome. Also called: Hereditary breast and/or ovarian cancer syndrome; Hereditary breast and ovarian cancer syndrome; BRCA1- and BRCA2-Associated Hereditary Breast and Ovarian Cancer; Breast and ovarian cancer; Hereditary breast and ovarian cancer; Hereditary breast and ovarian cancer syndrome (HBOC). Identifiers: Orphanet 145, MedGen C0677776, MeSH D061325, MONDO:0003582. Disease mechanism: loss of function.

Submission:

Labcorp Genetics (formerly Invitae), Labcorp
Classification: Uncertain significance for Hereditary breast ovarian cancer syndrome. Last evaluated: 2022-08-10. Review status: criteria provided, single submitter. Criteria: Invitae Variant Classification Sherloc (09022015). Collection method: clinical testing. Allele origin: germline.
Comment: Studies have shown that this variant results in skipping of exon 18 and introduces a premature termination codon (Invitae). The resulting mRNA is expected to undergo nonsense-mediated decay. In summary, the available evidence is currently insufficient to determine the role of this variant in disease. Therefore, it has been classified as a Variant of Uncertain Significance. This variant has not been reported in the literature in individuals affected with BRCA2-related conditions. This sequence change falls in intron 17 of the BRCA2 gene. It does not directly change the encoded amino acid sequence of the BRCA2 protein. RNA analysis indicates that this variant induces altered splicing and may result in an absent or disrupted protein product. This variant is not present in population databases (gnomAD no frequency).